The following is an entry in ClinVar:

NM_007294.4(BRCA1):c.5467+200G>A

Gene: BRCA1 (BRCA1 DNA repair associated; minus strand). Cytogenetic location: 17q21.31.
Variant type: single nucleotide variant.
Coding change: c.5467+200G>A on transcript NM_007294.4 (MANE Select); 200 bases into the intron after coding-DNA position 5467, G replaced by A.
Molecular consequence: intron variant.
Genome position (GRCh38, 1-based): chr17:43,047,443, C>T on the plus strand (G>A on the coding strand, the complement: BRCA1 is on the minus strand). VCF-style: chr17-43047443-C-T. GRCh37 (hg19) VCF-style: chr17-41199460-C-T.
Other names: c.1831+200G>A (NM_001408506.1); c.1945+200G>A (NM_001408481.1, NM_001408482.1, NM_001408484.1 and 5 more transcripts); c.1948+200G>A (NM_001408480.1, NM_001408478.1, NM_001408479.1); c.5254+200G>A (NM_001407909.1, NM_001407906.1, NM_001407896.1 and 12 more transcripts); c.5257+200G>A (NM_001407887.1, NM_001407889.1, NM_001407879.1 and 5 more transcripts); c.2149+200G>A (NM_001408408.1, NM_001408407.1, NM_001408406.1); c.5452+200G>A (NM_001407647.1); c.2029+200G>A (NM_001408446.1, NM_001408450.1, NM_001408448.1 and 2 more transcripts); and 83 more.
Identifiers: ClinVar variation 4856951 (VCV004856951.2).

ClinVar aggregate classification (germline): Likely benign (1 of 4 stars; one submission).

Conditions:
Breast-ovarian cancer, familial, susceptibility to, 1 (BROVCA1). Also called: OVARIAN CANCER, SUSCEPTIBILITY TO; BRCA1 Hereditary Breast and Ovarian Cancer. Identifiers: Orphanet 145, MedGen C2676676, MONDO:0011450, OMIM 604370. Disease mechanism: loss of function.

gnomAD v4.1: 21 of 152,048 alleles (0.014%); highest among the groups gnomAD compares: Non-Finnish European, 0.021%; no homozygotes.

Submission:

Dasa
Classification: Likely benign for Breast-ovarian cancer, familial, susceptibility to, 1. Last evaluated: 2025-11-04. Review status: criteria provided, single submitter. Criteria: DASA Assertion Criteria. Collection method: clinical testing. Allele origin: germline.
Comment: NM_007294.4(BRCA1):c.5467+200G>A is an intronic variant. Population frequency is inconsistent with a disease-causing role for this variant. Computational prediction algorithms are consistent with a benign effect. Therefore, based on the currently available evidence, this variant is classified as likely benign.